The following is an entry in ClinVar:

ClinVar aggregate classification (germline): Conflicting classifications of pathogenicity. Review status: criteria provided, conflicting classifications (1 of 4 stars). 2 submissions from 2 submitters: Uncertain significance (1); Likely benign (1). Last evaluated 2023-03-23.

Conditions:
Hereditary breast ovarian cancer syndrome. Also called: Hereditary breast and ovarian cancer syndrome (HBOC); Hereditary breast and ovarian cancer syndrome; Hereditary breast and ovarian cancer; Breast and ovarian cancer; BRCA1- and BRCA2-Associated Hereditary Breast and Ovarian Cancer; Hereditary breast and/or ovarian cancer syndrome. Identifiers: Orphanet 145, MedGen C0677776, MeSH D061325, MONDO:0003582. Disease mechanism: loss of function.
Hereditary cancer-predisposing syndrome. Also called: Tumor predisposition; Neoplastic Syndromes, Hereditary; Hereditary Cancer Syndrome; Hereditary neoplastic syndrome. Identifiers: Orphanet 140162, MedGen C0027672, MeSH D009386, MONDO:0015356.

Submissions (2):

University of Washington Department of Laboratory Medicine, University of Washington
Classification: Likely benign for Hereditary cancer-predisposing syndrome. Last evaluated: 2023-03-23. Review status: criteria provided, single submitter. Criteria: Dines et al. (Genet Med. 2020). Collection method: curation. Allele origin: germline.
Comment: Missense variant in a coldspot region where missense variants are very unlikely to be pathogenic (PMID:31911673).

BRCA1 coldspot (exon 11 using historical exon numbering). Reclassification based on statistical prior probability

Labcorp Genetics (formerly Invitae), Labcorp
Classification: Uncertain significance for Hereditary breast ovarian cancer syndrome. Last evaluated: 2022-08-03. Review status: criteria provided, single submitter. Criteria: Invitae Variant Classification Sherloc (09022015). Collection method: clinical testing. Allele origin: germline.
Comment: This sequence change replaces lysine, which is basic and polar, with arginine, which is basic and polar, at codon 608 of the BRCA1 protein (p.Lys608Arg). This variant is not present in population databases (gnomAD no frequency). This variant has not been reported in the literature in individuals affected with BRCA1-related conditions. Advanced modeling of protein sequence and biophysical properties (such as structural, functional, and spatial information, amino acid conservation, physicochemical variation, residue mobility, and thermodynamic stability) performed at Invitae indicates that this missense variant is not expected to disrupt BRCA1 protein function. In summary, the available evidence is currently insufficient to determine the role of this variant in disease. Therefore, it has been classified as a Variant of Uncertain Significance.

NM_007294.4(BRCA1):c.1823A>G (p.Lys608Arg)

Gene: BRCA1 (BRCA1 DNA repair associated; minus strand). Cytogenetic location: 17q21.31.
Variant type: single nucleotide variant.
Coding change: c.1823A>G on transcript NM_007294.4 (MANE Select); coding-DNA position 1823, A replaced by G.
Protein change: p.Lys608Arg; replaces lysine 608 with arginine.
Molecular consequence: missense variant. On other transcripts: intron variant (137).
Genome position (GRCh38, 1-based): chr17:43,093,708, T>C on the plus strand (A>G on the coding strand, the complement: BRCA1 is on the minus strand). VCF-style: chr17-43093708-T-C. GRCh37 (hg19) VCF-style: chr17-41245725-T-C.
Other names: c.1820A>G, p.Lys607Arg (NM_001407632.1, NM_001407633.1, NM_001407634.1 and 22 more transcripts); c.1823A>G, p.Lys608Arg (NM_001407639.1, NM_001407640.1, NM_001407641.1 and 30 more transcripts); c.1814A>G, p.Lys605Arg (NM_001407646.1, NM_001407647.1); c.1700A>G, p.Lys567Arg (NM_001407648.1, NM_001407664.1, NM_001407665.1 and 19 more transcripts); c.1697A>G, p.Lys566Arg (NM_001407649.1, NM_001407670.1, NM_001407671.1 and 11 more transcripts); c.1745A>G, p.Lys582Arg (NM_001407656.1, NM_001407657.1, NM_001407658.1 and 4 more transcripts); c.1742A>G, p.Lys581Arg (NM_001407659.1, NM_001407660.1, NM_001407661.1 and 1 more transcripts); c.1610A>G, p.Lys537Arg (NM_001407571.1, NM_001407853.1, NM_001407894.1 and 9 more transcripts); and 40 more; short protein forms K481R, K519R, K560R, K561R, K440R, K537R, K538R, K566R.
Identifiers: ClinVar variation 2011476 (VCV002011476.3), dbSNP rs2154419467, ClinGen allele CA10598370.